The following is an entry in ClinVar:

NM_003227.4(TFR2):c.727-2A>G

Gene: TFR2 (transferrin receptor 2; minus strand). Cytogenetic location: 7q22.1.
Variant type: single nucleotide variant.
Coding change: c.727-2A>G on transcript NM_003227.4 (MANE Select); the canonical splice acceptor site of the intron before coding-DNA position 727, A replaced by G.
Molecular consequence: splice acceptor variant.
Genome position (GRCh38, 1-based): chr7:100,633,125, T>C on the plus strand (A>G on the coding strand, the complement: TFR2 is on the minus strand). VCF-style: chr7-100633125-T-C. GRCh37 (hg19) VCF-style: chr7-100230748-T-C.
Other names: c.214-2A>G (NM_001206855.3).
Identifiers: ClinVar variation 2880862 (VCV002880862.3), dbSNP rs2486133812, ClinGen allele CA368534184.

ClinVar aggregate classification (germline): Likely pathogenic (1 of 4 stars; one submission).

Conditions:
Hereditary hemochromatosis (HFE). Identifiers: MedGen C0392514, MONDO:0006507. Disease mechanism: loss of function.

Allele frequency attached by ClinVar (database versions not stated): gnomAD exomes below 0.00001.
gnomAD v4.1: 1 of 1,613,364 alleles (0.000062%); highest among the groups gnomAD compares: Non-Finnish European, 0.000085%; no homozygotes.

Submission:

Labcorp Genetics (formerly Invitae), Labcorp
Classification: Likely pathogenic for Hereditary hemochromatosis. Last evaluated: 2023-08-21. Review status: criteria provided, single submitter. Criteria: Invitae Variant Classification Sherloc (09022015). Collection method: clinical testing. Allele origin: germline.
Comment: This variant is not present in population databases (gnomAD no frequency). This variant has not been reported in the literature in individuals affected with TFR2-related conditions. Algorithms developed to predict the effect of sequence changes on RNA splicing suggest that this variant may disrupt the consensus splice site. In summary, the currently available evidence indicates that the variant is pathogenic, but additional data are needed to prove that conclusively. Therefore, this variant has been classified as Likely Pathogenic. This sequence change affects an acceptor splice site in intron 5 of the TFR2 gene. It is expected to disrupt RNA splicing. Variants that disrupt the donor or acceptor splice site typically lead to a loss of protein function (PMID: 16199547), and loss-of-function variants in TFR2 are known to be pathogenic (PMID: 23600741, 26029709).

Literature cited by the submitters: PubMed 16199547; PubMed 23600741; PubMed 26029709.